The following is an entry in ClinVar:

NM_014915.3(ANKRD26):c.2769G>A (p.Met923Ile)

Gene: ANKRD26 (ankyrin repeat domain 26; minus strand). Cytogenetic location: 10p12.1.
Variant type: single nucleotide variant.
Coding change: c.2769G>A on transcript NM_014915.3 (MANE Select); coding-DNA position 2769, G replaced by A.
Protein change: p.Met923Ile; replaces methionine 923 with isoleucine.
Molecular consequence: missense variant.
Genome position (GRCh38, 1-based): chr10:27,035,681, C>T on the plus strand (G>A on the coding strand, the complement: ANKRD26 is on the minus strand). VCF-style: chr10-27035681-C-T. GRCh37 (hg19) VCF-style: chr10-27324610-C-T.
Other names: c.2766G>A, p.Met922Ile (NM_001256053.2); short protein forms M923I, M922I.
Identifiers: ClinVar variation 3710299 (VCV003710299.3).

ClinVar aggregate classification (germline): Uncertain significance. Review status: criteria provided, multiple submitters, no conflicts (2 of 4 stars). 2 submissions from 2 submitters: Uncertain significance (2). Last evaluated 2026-07-29.

Conditions:
Inborn genetic diseases. Identifiers: MedGen C0950123, MeSH D030342.

gnomAD v4.1: 2 of 1,603,028 alleles (0.00012%); highest among the groups gnomAD compares: Non-Finnish European, 0.00017%; no homozygotes.

Submissions (2):

Ambry Genetics
Classification: Uncertain significance for Inborn genetic diseases. Last evaluated: 2026-07-29. Review status: criteria provided, single submitter. Criteria: Ambry Variant Classification Scheme 2023. Collection method: clinical testing. Allele origin: germline.
Comment: The p.M923I variant (also known as c.2769G>A), located in coding exon 24 of the ANKRD26 gene, results from a G to A substitution at nucleotide position 2769. The methionine at codon 923 is replaced by isoleucine, an amino acid with highly similar properties. This amino acid position is conserved. In addition, this alteration is predicted to be tolerated by in silico analysis. Based on the available evidence, the clinical significance of this variant remains unclear.

Labcorp Genetics (formerly Invitae), Labcorp
Classification: Uncertain significance. Last evaluated: 2024-08-24. Review status: criteria provided, single submitter. Criteria: Invitae Variant Classification Sherloc (09022015). Collection method: clinical testing. Allele origin: germline.
Comment: This sequence change replaces methionine, which is neutral and non-polar, with isoleucine, which is neutral and non-polar, at codon 923 of the ANKRD26 protein (p.Met923Ile). This variant is present in population databases (no rsID available, gnomAD 0.0009%). This variant has not been reported in the literature in individuals affected with ANKRD26-related conditions. An algorithm developed to predict the effect of missense changes on protein structure and function outputs the following: PolyPhen-2: "Benign". The isoleucine amino acid residue is found in multiple mammalian species, which suggests that this missense change does not adversely affect protein function. In summary, the available evidence is currently insufficient to determine the role of this variant in disease. Therefore, it has been classified as a Variant of Uncertain Significance.